The following is an entry in ClinVar:

ClinVar aggregate classification (germline): Uncertain significance (1 of 4 stars; one submission).

Allele frequency attached by ClinVar (database versions not stated): TOPMed below 0.00001; gnomAD 0.00001.
gnomAD v4.1: 1 of 1,613,994 alleles (0.000062%); highest among the groups gnomAD compares: Admixed American, 0.0017%; no homozygotes.

Submission:

GeneDx
Classification: Uncertain significance. Last evaluated: 2023-02-07. Review status: criteria provided, single submitter. Criteria: GeneDx Variant Classification Process June 2021. Collection method: clinical testing. Allele origin: germline. Affected: yes.
Comment: Not observed at significant frequency in large population cohorts (gnomAD); In silico analysis supports that this missense variant does not alter protein structure/function; Occurs in the triple helical domain at the X position in the canonical Gly-X-Y repeat; although this variant may have an effect on normal protein folding and function, missense substitution at the X position is not a common mechanism of disease; Has not been previously published as pathogenic or benign to our knowledge

NM_000092.5(COL4A4):c.2195T>A (p.Phe732Tyr)

Gene: COL4A4 (collagen type IV alpha 4 chain; minus strand). Cytogenetic location: 2q36.3.
Variant type: single nucleotide variant.
Coding change: c.2195T>A on transcript NM_000092.5 (MANE Select); coding-DNA position 2195, T replaced by A.
Protein change: p.Phe732Tyr; replaces phenylalanine 732 with tyrosine.
Molecular consequence: missense variant.
Genome position (GRCh38, 1-based): chr2:227,059,593, A>T on the plus strand (T>A on the coding strand, the complement: COL4A4 is on the minus strand). VCF-style: chr2-227059593-A-T. GRCh37 (hg19) VCF-style: chr2-227924309-A-T.
Other names: short protein forms F732Y.
Identifiers: ClinVar variation 2575735 (VCV002575735.1), dbSNP rs1471579492, ClinGen allele CA350842181.